The following is an entry in ClinVar:

ClinVar aggregate classification (germline): Uncertain significance (1 of 4 stars; one submission).

Allele frequency attached by ClinVar (database versions not stated): TOPMed below 0.00001; ExAC 0.00001; gnomAD 0.00001.
gnomAD v4.1: 6 of 1,613,930 alleles (0.00037%); highest among the groups gnomAD compares: Admixed American, 0.0017%; no homozygotes.

Submission:

Labcorp Genetics (formerly Invitae), Labcorp
Classification: Uncertain significance. Last evaluated: 2022-06-27. Review status: criteria provided, single submitter. Criteria: Invitae Variant Classification Sherloc (09022015). Collection method: clinical testing. Allele origin: germline.
Comment: In summary, the available evidence is currently insufficient to determine the role of this variant in disease. Therefore, it has been classified as a Variant of Uncertain Significance. Algorithms developed to predict the effect of missense changes on protein structure and function are either unavailable or do not agree on the potential impact of this missense change (SIFT: "Deleterious"; PolyPhen-2: "Benign"; Align-GVGD: "Class C15"). This variant has not been reported in the literature in individuals affected with RCBTB1-related conditions. This variant is present in population databases (rs750414418, gnomAD no frequency). This sequence change replaces tyrosine, which is neutral and polar, with phenylalanine, which is neutral and non-polar, at codon 242 of the RCBTB1 protein (p.Tyr242Phe).

NM_018191.4(RCBTB1):c.725A>T (p.Tyr242Phe)

Gene: RCBTB1 (RCC1 and BTB domain containing protein 1; minus strand). Cytogenetic location: 13q14.2.
Variant type: single nucleotide variant.
Coding change: c.725A>T on transcript NM_018191.4 (MANE Select); coding-DNA position 725, A replaced by T.
Protein change: p.Tyr242Phe; replaces tyrosine 242 with phenylalanine.
Molecular consequence: missense variant. On other transcripts: non-coding transcript variant (2).
Genome position (GRCh38, 1-based): chr13:49,551,455, T>A on the plus strand (A>T on the coding strand, the complement: RCBTB1 is on the minus strand). VCF-style: chr13-49551455-T-A. GRCh37 (hg19) VCF-style: chr13-50125591-T-A.
Other names: c.725A>T, p.Tyr242Phe (NM_001352500.2, NM_001352501.2, NM_001352502.2 and 3 more transcripts); c.146A>T, p.Tyr49Phe (NM_001352506.2); short protein forms Y242F, Y49F.
Identifiers: ClinVar variation 1485593 (VCV001485593.8), dbSNP rs750414418, ClinGen allele CA6982786.